The following is an entry in ClinVar:

NM_000245.4(MET):c.348C>G (p.Ile116Met)

Gene: MET (MET proto-oncogene, receptor tyrosine kinase; plus strand). Cytogenetic location: 7q31.2.
Variant type: single nucleotide variant.
Coding change: c.348C>G on transcript NM_000245.4 (MANE Select); coding-DNA position 348, C replaced by G.
Protein change: p.Ile116Met; replaces isoleucine 116 with methionine.
Molecular consequence: missense variant. On other transcripts: intron variant (1).
Genome position (GRCh38, 1-based): chr7:116,699,432, C>G. VCF-style: chr7-116699432-C-G. GRCh37 (hg19) VCF-style: chr7-116339486-C-G.
Other names: c.348C>G, p.Ile116Met (NM_001127500.3, NM_001324401.3); c.-91+26855C>G (NM_001324402.2); short protein forms I116M.
Identifiers: ClinVar variation 1497651 (VCV001497651.12), dbSNP rs2116586543, ClinGen allele CA368968880.

ClinVar aggregate classification (germline): Uncertain significance. Review status: criteria provided, multiple submitters, no conflicts (2 of 4 stars). 3 submissions from 3 submitters: Uncertain significance (3). Last evaluated 2026-06-17.

Conditions:
Hereditary cancer-predisposing syndrome. Also called: Hereditary Cancer Syndrome; Tumor predisposition; Neoplastic Syndromes, Hereditary; Hereditary neoplastic syndrome. Identifiers: Orphanet 140162, MedGen C0027672, MeSH D009386, MONDO:0015356.
Renal cell carcinoma. Identifiers: Orphanet 217071, MedGen C0007134, MeSH D002292, MONDO:0005086, HP:0005584.
Autosomal recessive nonsyndromic hearing loss 97. Also called: Deafness, autosomal recessive 97. Identifiers: Orphanet 90636, MedGen C4084709, MONDO:0014739, OMIM 616705.

Allele frequency attached by ClinVar (database versions not stated): gnomAD exomes below 0.00001.
gnomAD v4.1: 4 of 1,614,018 alleles (0.00025%); highest among the groups gnomAD compares: Non-Finnish European, 0.00034%; no homozygotes.

Submissions (3):

Ambry Genetics
Classification: Uncertain significance for Hereditary cancer-predisposing syndrome. Last evaluated: 2026-06-17. Review status: criteria provided, single submitter. Criteria: Ambry Variant Classification Scheme 2023. Collection method: clinical testing. Allele origin: germline.
Comment: The p.I116M variant (also known as c.348C>G), located in coding exon 1 of the MET gene, results from a C to G substitution at nucleotide position 348. The isoleucine at codon 116 is replaced by methionine, an amino acid with highly similar properties. This variant was reported in individual(s) with features consistent with MET-related papillary renal cell carcinoma (Ambry internal data). This amino acid position is not well conserved in available vertebrate species. In addition, this alteration is predicted to be tolerated by in silico analysis. Based on the available evidence, the clinical significance of this variant remains unclear.

Labcorp Genetics (formerly Invitae), Labcorp
Classification: Uncertain significance for Renal cell carcinoma. Last evaluated: 2025-04-17. Review status: criteria provided, single submitter. Criteria: Invitae Variant Classification Sherloc (09022015). Collection method: clinical testing. Allele origin: germline.
Comment: This sequence change replaces isoleucine, which is neutral and non-polar, with methionine, which is neutral and non-polar, at codon 116 of the MET protein (p.Ile116Met). This variant is not present in population databases (gnomAD no frequency). This variant has not been reported in the literature in individuals affected with MET-related conditions. ClinVar contains an entry for this variant (Variation ID: 1497651). Invitae Evidence Modeling of protein sequence and biophysical properties (such as structural, functional, and spatial information, amino acid conservation, physicochemical variation, residue mobility, and thermodynamic stability) indicates that this missense variant is not expected to disrupt MET protein function with a negative predictive value of 80%. In summary, the available evidence is currently insufficient to determine the role of this variant in disease. Therefore, it has been classified as a Variant of Uncertain Significance.

Baylor Genetics
Classification: Uncertain significance for Autosomal recessive nonsyndromic hearing loss 97. Last evaluated: 2023-07-12. Review status: criteria provided, single submitter. Criteria: ACMG Guidelines, 2015. Collection method: clinical testing. Allele origin: unknown.